The following is an entry in ClinVar:

ClinVar aggregate classification (germline): Benign/Likely benign. Review status: criteria provided, multiple submitters, no conflicts (2 of 4 stars). 3 submissions from 3 submitters: Benign (1); Likely benign (2). Last evaluated 2026-05-14.

Conditions:
Cardiovascular phenotype. Identifiers: MedGen CN230736.
Hereditary cancer-predisposing syndrome. Also called: Tumor predisposition; Hereditary Cancer Syndrome; Hereditary neoplastic syndrome; Neoplastic Syndromes, Hereditary. Identifiers: Orphanet 140162, MedGen C0027672, MeSH D009386, MONDO:0015356.
Neurofibromatosis, type 1 (NF1). Also called: NEUROFIBROMATOSIS, TYPE I, SOMATIC; Peripheral type neurofibromatosis; VON RECKLINGHAUSEN DISEASE; Neurofibromatosis, type I. Identifiers: Orphanet 636, MedGen C0027831, MONDO:0018975, OMIM 162200. Disease mechanism: loss of function.

Submissions (3):

Myriad Genetics, Inc.
Classification: Benign for Neurofibromatosis, type 1. Last evaluated: 2026-05-14. Review status: criteria provided, single submitter. Criteria: Myriad Autosomal Dominant, Autosomal Recessive and X-Linked Classification Criteria (2023). Collection method: clinical testing. Allele origin: unknown.
Comment: This variant is considered benign. This variant is a silent/synonymous amino acid change and it is not expected to impact splicing.

Labcorp Genetics (formerly Invitae), Labcorp
Classification: Likely benign for Neurofibromatosis, type 1. Last evaluated: 2024-01-18. Review status: criteria provided, single submitter. Criteria: Invitae Variant Classification Sherloc (09022015). Collection method: clinical testing. Allele origin: germline.

Ambry Genetics
Classification: Likely benign for Cardiovascular phenotype; Hereditary cancer-predisposing syndrome. Last evaluated: 2018-10-18. Review status: criteria provided, single submitter. Criteria: Ambry Variant Classification Scheme 2023. Collection method: clinical testing. Allele origin: germline.

NM_001042492.3(NF1):c.384C>T (p.Asn128=)

Gene: NF1 (neurofibromin 1; plus strand). Cytogenetic location: 17q11.2.
Variant type: single nucleotide variant.
Coding change: c.384C>T on transcript NM_001042492.3 (MANE Select); coding-DNA position 384, C replaced by T.
Protein change: p.Asn128=; no amino-acid change (asparagine 128 retained).
Molecular consequence: synonymous variant.
Genome position (GRCh38, 1-based): chr17:31,163,281, C>T. VCF-style: chr17-31163281-C-T. GRCh37 (hg19) VCF-style: chr17-29490299-C-T.
Other names: c.384C>T, p.Asn128= (NM_000267.4, NM_001128147.3).
Identifiers: ClinVar variation 824297 (VCV000824297.8), dbSNP rs1597635852, ClinGen allele CA499200455.